The following is an entry in ClinVar:

NM_152490.5(B3GALNT2):c.1461_1467delinsTC (p.Lys488fs)

Genes: B3GALNT2 (beta-1,3-N-acetylgalactosaminyltransferase 2; minus strand), TBCE (tubulin folding cofactor E; plus strand). Cytogenetic location: 1q42.3.
Variant type: Indel.
Coding change: c.1461_1467delinsTC on transcript NM_152490.5 (MANE Select); coding-DNA positions 1461 to 1467, GAAGGAA replaced by TC.
Protein change: p.Lys488fs; shifts the reading frame from lysine 488.
Molecular consequence: frameshift variant. On other transcripts: 3 prime UTR variant (4).
Genome position (GRCh38, 1-based): chr1:235,450,242-235,450,248, TTCCTTC replaced by GA on the plus strand (GAAGGAA replaced by TC on the coding strand, the reverse complement: B3GALNT2 is on the minus strand). VCF-style: chr1-235450242-TTCCTTC-GA. GRCh37 (hg19) VCF-style: chr1-235613557-TTCCTTC-GA.
Other names: c.*1480_*1486delinsGA (NM_001079515.3, NM_001287801.2, NM_001287802.2 and 1 more transcripts); short protein forms K488fs.
Identifiers: ClinVar variation 2105038 (VCV002105038.4), dbSNP rs2527130689, ClinGen allele CA2580062309.
Genomic context (GRCh38, chr1:235,450,242, plus strand): 5'-AGACTCTGCTAATTCAAGTCCCTGTTATCTTGCTTGACATCGACAAGGATCACCGCACCG[TTCCTTC>GA]AGTTTCCACAGTTCCGTCAGTTCCCACGGAGAATACTGAGGAGAAGACAGCATTCCTGTC-3'

ClinVar aggregate classification (germline): Uncertain significance (1 of 4 stars; one submission).

Conditions:
Muscular dystrophy-dystroglycanopathy (congenital with brain and eye anomalies), type a, 11 (MDDGA11). Also called: Congenital muscular dystrophy-dystroglycanopathy with brain and eye anomalies, type A11; WALKER-WARBURG SYNDROME OR MUSCLE-EYE-BRAIN DISEASE, B3GALNT2-RELATED; Muscular dystrophy-dystroglycanopathy (congenital with brain and eye anomalies, type A, 11. Identifiers: Orphanet 588, Orphanet 899, MedGen C3554638, MONDO:0014071, OMIM 615181.

Submission:

Labcorp Genetics (formerly Invitae), Labcorp
Classification: Uncertain significance for Muscular dystrophy-dystroglycanopathy (congenital with brain and eye anomalies), type a, 11. Last evaluated: 2022-03-01. Review status: criteria provided, single submitter. Criteria: Invitae Variant Classification Sherloc (09022015). Collection method: clinical testing. Allele origin: germline.
Comment: In summary, the available evidence is currently insufficient to determine the role of this variant in disease. Therefore, it has been classified as a Variant of Uncertain Significance. Experimental studies and prediction algorithms are not available or were not evaluated, and the functional significance of this variant is currently unknown. This variant has not been reported in the literature in individuals affected with B3GALNT2-related conditions. Information on the frequency of this variant in the gnomAD database is not available, as this variant may be reported differently in the database. This sequence change creates a premature translational stop signal (p.Lys488Profs*4) in the B3GALNT2 gene. While this is not anticipated to result in nonsense mediated decay, it is expected to disrupt the last 13 amino acid(s) of the B3GALNT2 protein.